The following is an entry in ClinVar:

ClinVar aggregate classification (germline): Uncertain significance (1 of 4 stars; one submission).

Allele frequency attached by ClinVar (database versions not stated): ExAC 0.00001; gnomAD exomes 0.00001.

Submission:

Labcorp Genetics (formerly Invitae), Labcorp
Classification: Uncertain significance. Last evaluated: 2021-12-15. Review status: criteria provided, single submitter. Criteria: Invitae Variant Classification Sherloc (09022015). Collection method: clinical testing. Allele origin: germline.
Comment: This sequence change replaces arginine, which is basic and polar, with glutamine, which is neutral and polar, at codon 145 of the USH1G protein (p.Arg145Gln). This variant is present in population databases (rs202005955, gnomAD 0.006%). This variant has not been reported in the literature in individuals affected with USH1G-related conditions. Algorithms developed to predict the effect of missense changes on protein structure and function are either unavailable or do not agree on the potential impact of this missense change (SIFT: "Not Available"; PolyPhen-2: "Benign"; Align-GVGD: "Not Available"). In summary, the available evidence is currently insufficient to determine the role of this variant in disease. Therefore, it has been classified as a Variant of Uncertain Significance.

NM_173477.5(USH1G):c.434G>A (p.Arg145Gln)

Gene: USH1G (USH1 protein network component sans; minus strand). Cytogenetic location: 17q25.1.
Variant type: single nucleotide variant.
Coding change: c.434G>A on transcript NM_173477.5 (MANE Select); coding-DNA position 434, G replaced by A.
Protein change: p.Arg145Gln; replaces arginine 145 with glutamine.
Molecular consequence: missense variant.
Genome position (GRCh38, 1-based): chr17:74,920,402, C>T on the plus strand (G>A on the coding strand, the complement: USH1G is on the minus strand). VCF-style: chr17-74920402-C-T. GRCh37 (hg19) VCF-style: chr17-72916497-C-T.
Other names: c.125G>A, p.Arg42Gln (NM_001282489.3); short protein forms R145Q, R42Q.
Identifiers: ClinVar variation 1968118 (VCV001968118.4), dbSNP rs202005955, ClinGen allele CA8754076.
Genomic context (GRCh38, chr17:74,920,402, plus strand): 5'-TATCGCCGCTCCATGCGTTCGTGGTGCCTCCGCTGCAGCTTGGCGCACTCGCGGATGCGC[C>T]GCTCCGCCTCGCGGAAGGCCTTGTCCTTCAGCTTACCCACCAGCTTGGGGTTGAGGCTGC-3'
Protein context (NP_775748.2, residues 135-155): LKDKAFREAE[Arg145Gln]RIRECAKLQR